The following is an entry in ClinVar:

NM_014844.5(TECPR2):c.3196C>T (p.Arg1066Cys)

Gene: TECPR2 (tectonin beta-propeller repeat containing 2; plus strand). Cytogenetic location: 14q32.31.
Variant type: single nucleotide variant.
Coding change: c.3196C>T on transcript NM_014844.5 (MANE Select); coding-DNA position 3196, C replaced by T.
Protein change: p.Arg1066Cys; replaces arginine 1066 with cysteine.
Molecular consequence: missense variant.
Genome position (GRCh38, 1-based): chr14:102,449,749, C>T. VCF-style: chr14-102449749-C-T. GRCh37 (hg19) VCF-style: chr14-102916086-C-T.
Other names: c.3196C>T (NM_014844.3); c.3196C>T, p.Arg1066Cys (NM_001172631.3); short protein forms R1066C.
Identifiers: ClinVar variation 990805 (VCV000990805.7), dbSNP rs776056002, ClinGen allele CA7358156.
Genomic context (GRCh38, chr14:102,449,749, plus strand): 5'-GCCACTCACTCGGTGGCCACAGCAGCCCAAGCCCCCGTAGAAAAGGTGGCAGATAAGCTG[C>T]GCATGGCGTTTTGGTCCCAGCAGCTTCAGTGCCAGCCAAGCCTTCTCGGGGTCAATAACA-3'
Protein context (NP_055659.2, residues 1056-1076): APVEKVADKL[Arg1066Cys]MAFWSQQLQC

ClinVar aggregate classification (germline): Uncertain significance. Review status: criteria provided, multiple submitters, no conflicts (2 of 4 stars). 5 submissions from 5 submitters: Uncertain significance (4). 1 of the submissions does not count toward it. Last evaluated 2025-11-07.

Conditions:
Inborn genetic diseases. Identifiers: MedGen C0950123, MeSH D030342.
Hereditary spastic paraplegia 49 (HSAN9). Also called: Spastic paraplegia 49, autosomal recessive; NEUROPATHY, HEREDITARY SENSORY AND AUTONOMIC, TYPE IX, WITH DEVELOPMENTAL DELAY; TECPR2-Related Hereditary Sensory and Autonomic Neuropathy with Intellectual Disability. Identifiers: Orphanet 320385, MedGen C5190860, MONDO:0014016, OMIM 615031.

Allele frequency attached by ClinVar (database versions not stated): gnomAD exomes below 0.00001; TOPMed below 0.00001; ExAC 0.00001; gnomAD 0.00001.
gnomAD v4.1: 6 of 1,614,156 alleles (0.00037%); highest among the groups gnomAD compares: African/African-American, 0.0013%; no homozygotes.

Submissions (5):

GeneDx
Classification: Uncertain significance. Last evaluated: 2025-11-07. Review status: criteria provided, single submitter. Criteria: GeneDx Variant Classification Process June 2021. Collection method: clinical testing. Allele origin: germline. Affected: yes.
Comment: Not observed at significant frequency in large population cohorts (gnomAD); In silico analysis supports that this missense variant has a deleterious effect on protein structure/function; Has not been previously published as pathogenic or benign to our knowledge

Ambry Genetics
Classification: Uncertain significance for Inborn genetic diseases. Last evaluated: 2023-08-02. Review status: criteria provided, single submitter. Criteria: Ambry Variant Classification Scheme 2023. Collection method: clinical testing. Allele origin: germline.

Labcorp Genetics (formerly Invitae), Labcorp
Classification: Uncertain significance for Hereditary spastic paraplegia 49. Last evaluated: 2022-07-28. Review status: criteria provided, single submitter. Criteria: Invitae Variant Classification Sherloc (09022015). Collection method: clinical testing. Allele origin: germline.
Comment: This sequence change replaces arginine, which is basic and polar, with cysteine, which is neutral and slightly polar, at codon 1066 of the TECPR2 protein (p.Arg1066Cys). This variant is present in population databases (rs776056002, gnomAD 0.003%). This variant has not been reported in the literature in individuals affected with TECPR2-related conditions. ClinVar contains an entry for this variant (Variation ID: 990805). Algorithms developed to predict the effect of missense changes on protein structure and function are either unavailable or do not agree on the potential impact of this missense change (SIFT: "Deleterious"; PolyPhen-2: "Possibly Damaging"; Align-GVGD: "Class C0"). In summary, the available evidence is currently insufficient to determine the role of this variant in disease. Therefore, it has been classified as a Variant of Uncertain Significance.

Fulgent Genetics
Classification: Uncertain significance for Hereditary spastic paraplegia 49. Last evaluated: 2022-02-04. Review status: criteria provided, single submitter. Criteria: ACMG Guidelines, 2015. Collection method: clinical testing. Allele origin: unknown.

Natera, Inc.
Classification: Uncertain significance for Autosomal recessive spastic paraplegia type 49. Last evaluated: 2020-08-14. Review status: no assertion criteria provided. Collection method: clinical testing. Allele origin: germline. Not counted in ClinVar's aggregate classification.